The following is an entry in ClinVar:

ClinVar aggregate classification (germline): Uncertain significance (1 of 4 stars; one submission).

Conditions:
Hereditary pancreatitis (PCTT). Also called: Hereditary chronic pancreatitis; PRSS1-Related Hereditary Pancreatitis. Identifiers: Orphanet 676, MedGen C0238339, MONDO:0008185, OMIM 167800.

Submission:

Ambry Genetics
Classification: Uncertain significance for Hereditary pancreatitis. Last evaluated: 2021-12-12. Review status: criteria provided, single submitter. Criteria: Ambry Variant Classification Scheme 2023. Collection method: clinical testing. Allele origin: germline.
Comment: The p.G227E variant (also known as c.680G>A), located in coding exon 5 of the PRSS1 gene, results from a G to A substitution at nucleotide position 680. The glycine at codon 227 is replaced by glutamic acid, an amino acid with similar properties. This amino acid position is conserved. In addition, this alteration is predicted to be deleterious by in silico analysis. Since supporting evidence is limited at this time, the clinical significance of this alteration remains unclear.

NM_002769.5(PRSS1):c.680G>A (p.Gly227Glu)

Genes: TRB (T cell receptor beta locus; plus strand), PRSS1 (serine protease 1; plus strand). Cytogenetic location: 7q34.
Variant type: single nucleotide variant.
Coding change: c.680G>A on transcript NM_002769.5 (MANE Select); coding-DNA position 680, G replaced by A.
Protein change: p.Gly227Glu; replaces glycine 227 with glutamic acid.
Molecular consequence: missense variant. On other transcripts: non-coding transcript variant (5).
Genome position (GRCh38, 1-based): chr7:142,752,956, G>A. VCF-style: chr7-142752956-G-A. GRCh37 (hg19) VCF-style: chr7-142460807-G-A.
Other names: short protein forms G227E.
Identifiers: ClinVar variation 1755566 (VCV001755566.2), dbSNP rs1798879965, ClinGen allele CA369610851.